The following is an entry in ClinVar:

ClinVar aggregate classification (germline): Uncertain significance (1 of 4 stars; one submission).

Submission:

GeneDx
Classification: Uncertain significance. Last evaluated: 2024-12-05. Review status: criteria provided, single submitter. Criteria: GeneDx Variant Classification Process June 2021. Collection method: clinical testing. Allele origin: germline. Affected: yes.
Comment: Not observed at significant frequency in large population cohorts (gnomAD); In silico analysis supports that this missense variant has a deleterious effect on protein structure/function; Has not been previously published as pathogenic or benign to our knowledge

NM_006265.3(RAD21):c.433A>G (p.Met145Val)

Gene: RAD21 (RAD21 cohesin complex component; minus strand). Cytogenetic location: 8q24.11.
Variant type: single nucleotide variant.
Coding change: c.433A>G on transcript NM_006265.3 (MANE Select); coding-DNA position 433, A replaced by G.
Protein change: p.Met145Val; replaces methionine 145 with valine.
Molecular consequence: missense variant.
Genome position (GRCh38, 1-based): chr8:116,858,400, T>C on the plus strand (A>G on the coding strand, the complement: RAD21 is on the minus strand). VCF-style: chr8-116858400-T-C. GRCh37 (hg19) VCF-style: chr8-117870639-T-C.
Other names: short protein forms M145V.
Identifiers: ClinVar variation 3901405 (VCV003901405.1).